The following is an entry in ClinVar:

NM_014687.4(RUBCN):c.1971C>T (p.Ala657=)

Gene: RUBCN (rubicon autophagy regulator; minus strand). Cytogenetic location: 3q29.
Variant type: single nucleotide variant.
Coding change: c.1971C>T on transcript NM_014687.4 (MANE Select); coding-DNA position 1971, C replaced by T.
Protein change: p.Ala657=; no amino-acid change (alanine 657 retained).
Molecular consequence: synonymous variant.
Genome position (GRCh38, 1-based): chr3:197,683,316, G>A on the plus strand (C>T on the coding strand, the complement: RUBCN is on the minus strand). VCF-style: chr3-197683316-G-A. GRCh37 (hg19) VCF-style: chr3-197410187-G-A.
Other names: p.Ala612=; c.1836C>T, p.Ala612= (NM_001145642.5); c.2088C>T, p.Ala696= (NM_001346873.2); c.1836C>T (NM_001145642.4).
Identifiers: ClinVar variation 774854 (VCV000774854.38), dbSNP rs148884163, ClinGen allele CA2786729.

ClinVar aggregate classification (germline): Benign/Likely benign. Review status: criteria provided, multiple submitters, no conflicts (2 of 4 stars). 6 submissions from 6 submitters: Benign (3); Likely benign (1). 2 of the submissions do not count toward it. Last evaluated 2026-07-01.

Allele frequency attached by ClinVar (database versions not stated): 1000 Genomes Project 30x 0.00219; 1000 Genomes Project 0.00220; ESP Exome Variant Server 0.00399; TOPMed 0.00439; gnomAD 0.00547 and 0.00574; gnomAD exomes 0.00592 and 0.00623; ExAC 0.00607.
gnomAD v4.1: 9,843 of 1,614,182 alleles (0.61%); highest among the groups gnomAD compares: Non-Finnish European, 0.68%; 50 homozygotes.

Submissions (6):

CeGaT Center for Human Genetics Tuebingen
Classification: Likely benign. Last evaluated: 2026-07-01. Review status: criteria provided, single submitter. Criteria: CeGaT Center For Human Genetics Tuebingen Variant Classification Criteria Version 2. Collection method: clinical testing. Allele origin: germline. Affected: yes. Observed: 15 variant alleles.
Comment: RUBCN: BP4, BP7, BS2

Mayo Clinic Laboratories, Mayo Clinic
Classification: Benign. Last evaluated: 2023-12-27. Review status: criteria provided, single submitter. Criteria: ACMG Guidelines, 2015. Collection method: clinical testing. Allele origin: germline. Observed: 2 variant alleles.
Comment: BS1, BS2, BP4, BP7

Labcorp Genetics (formerly Invitae), Labcorp
Classification: Benign. Last evaluated: 2019-12-31. Review status: criteria provided, single submitter. Criteria: Invitae Variant Classification Sherloc (09022015). Collection method: clinical testing. Allele origin: germline.

Breakthrough Genomics
Classification: Benign. Review status: criteria provided, single submitter. Criteria: ACMG Guidelines, 2015. Collection method: not provided. Allele origin: germline. Inheritance: Autosomal recessive inheritance. Affected: yes.

Clinical Genetics DNA and cytogenetics Diagnostics Lab, Erasmus MC, Erasmus Medical Center
Classification: Likely benign. Review status: no assertion criteria provided. Collection method: clinical testing. Allele origin: germline. Affected: yes. Study: VKGL Data-share Consensus. Not counted in ClinVar's aggregate classification.

Diagnostic Laboratory, Department of Genetics, University Medical Center Groningen
Classification: Benign. Review status: no assertion criteria provided. Collection method: clinical testing. Allele origin: germline. Affected: yes. Study: VKGL Data-share Consensus. Not counted in ClinVar's aggregate classification.